The following is an entry in ClinVar:

ClinVar aggregate classification (germline): Benign/Likely benign. Review status: criteria provided, multiple submitters, no conflicts (2 of 4 stars). 3 submissions from 3 submitters: Benign (1); Likely benign (2). Last evaluated 2025-01-06.

Conditions:
Hereditary cancer-predisposing syndrome. Also called: Neoplastic Syndromes, Hereditary; Tumor predisposition; Hereditary Cancer Syndrome; Hereditary neoplastic syndrome. Identifiers: Orphanet 140162, MedGen C0027672, MeSH D009386, MONDO:0015356.
Familial melanoma. Also called: Hereditary melanoma; Hereditary cutaneous melanoma. Identifiers: Orphanet 618, MedGen C1512419, MONDO:0018961.
Melanoma, cutaneous malignant, susceptibility to, 3. Also called: Cutaneous malignant melanoma 3. Identifiers: Orphanet 618, MedGen C1836892, MONDO:0012183, OMIM 609048.

Submissions (3):

Labcorp Genetics (formerly Invitae), Labcorp
Classification: Likely benign for Familial melanoma. Last evaluated: 2025-01-06. Review status: criteria provided, single submitter. Criteria: Invitae Variant Classification Sherloc (09022015). Collection method: clinical testing. Allele origin: germline.

Myriad Genetics, Inc.
Classification: Benign for Melanoma, cutaneous malignant, susceptibility to, 3. Last evaluated: 2024-09-25. Review status: criteria provided, single submitter. Criteria: Myriad Autosomal Dominant, Autosomal Recessive and X-Linked Classification Criteria (2023). Collection method: clinical testing. Allele origin: unknown.
Comment: This variant is considered benign. This variant is a silent/synonymous amino acid change and it is not expected to impact splicing.

Ambry Genetics
Classification: Likely benign for Hereditary cancer-predisposing syndrome. Last evaluated: 2016-09-19. Review status: criteria provided, single submitter. Criteria: Ambry Variant Classification Scheme 2023. Collection method: clinical testing. Allele origin: germline.

NM_000075.4(CDK4):c.258G>A (p.Glu86=)

Gene: CDK4 (cyclin dependent kinase 4; minus strand). Cytogenetic location: 12q14.1.
Variant type: single nucleotide variant.
Coding change: c.258G>A on transcript NM_000075.4 (MANE Select); coding-DNA position 258, G replaced by A.
Protein change: p.Glu86=; no amino-acid change (glutamic acid 86 retained).
Molecular consequence: synonymous variant.
Genome position (GRCh38, 1-based): chr12:57,751,303, C>T on the plus strand (G>A on the coding strand, the complement: CDK4 is on the minus strand). VCF-style: chr12-57751303-C-T. GRCh37 (hg19) VCF-style: chr12-58145086-C-T.
Identifiers: ClinVar variation 483285 (VCV000483285.15), dbSNP rs1247612368, ClinGen allele CA480404608.
Genomic context (GRCh38, chr12:57,751,303, plus strand): 5'-CTTGTCCAGATATGTCCTTAGGTCCTGGTCTACATGCTCAAACACCAGGGTTACCTTGAT[C>T]TCCCGGTCAGTTCGGGATGTGGCACAGACGTCCATCAGCCTGACCAGAGTAAATGCTCAC-3'
Protein context (NP_000066.1, residues 76-96): DVCATSRTDR[Glu86=]IKVTLVFEHV